The following is an entry in ClinVar:

ClinVar aggregate classification (germline): Uncertain significance. Review status: criteria provided, multiple submitters, no conflicts (2 of 4 stars). 2 submissions from 2 submitters: Uncertain significance (2). Last evaluated 2025-09-24.

Conditions:
Inborn genetic diseases. Identifiers: MedGen C0950123, MeSH D030342.

gnomAD v4.1: 14 of 1,613,244 alleles (0.00087%); highest among the groups gnomAD compares: Non-Finnish European, 0.0011%; no homozygotes.

Submissions (2):

Labcorp Genetics (formerly Invitae), Labcorp
Classification: Uncertain significance. Last evaluated: 2025-09-24. Review status: criteria provided, single submitter. Criteria: Invitae Variant Classification Sherloc (09022015). Collection method: clinical testing. Allele origin: germline.
Comment: This sequence change replaces alanine, which is neutral and non-polar, with serine, which is neutral and polar, at codon 65 of the PTHLH protein (p.Ala65Ser). This variant is present in population databases (rs762237637, gnomAD 0.003%). This variant has not been reported in the literature in individuals affected with PTHLH-related conditions. An algorithm developed to predict the effect of missense changes on protein structure and function (PolyPhen-2) suggests that this variant is likely to be tolerated. In summary, the available evidence is currently insufficient to determine the role of this variant in disease. Therefore, it has been classified as a Variant of Uncertain Significance.

Ambry Genetics
Classification: Uncertain significance for Inborn genetic diseases. Last evaluated: 2025-08-08. Review status: criteria provided, single submitter. Criteria: Ambry Variant Classification Scheme 2023. Collection method: clinical testing. Allele origin: germline.

NM_198965.2(PTHLH):c.193G>T (p.Ala65Ser)

Gene: PTHLH (parathyroid hormone like hormone; minus strand). Cytogenetic location: 12p11.22.
Variant type: single nucleotide variant.
Coding change: c.193G>T on transcript NM_198965.2 (MANE Select); coding-DNA position 193, G replaced by T.
Protein change: p.Ala65Ser; replaces alanine 65 with serine.
Molecular consequence: missense variant.
Genome position (GRCh38, 1-based): chr12:27,963,679, C>A on the plus strand (G>T on the coding strand, the complement: PTHLH is on the minus strand). VCF-style: chr12-27963679-C-A. GRCh37 (hg19) VCF-style: chr12-28116612-C-A.
Other names: c.193G>T, p.Ala65Ser (NM_002820.3, NM_198964.2, NM_198966.2); short protein forms A65S.
Identifiers: ClinVar variation 4147223 (VCV004147223.2).